The following is an entry in ClinVar:

ClinVar aggregate classification (germline): Pathogenic (1 of 4 stars; one submission).

Submission:

Labcorp Genetics (formerly Invitae), Labcorp
Classification: Pathogenic. Last evaluated: 2024-01-19. Review status: criteria provided, single submitter. Criteria: Invitae Variant Classification Sherloc (09022015). Collection method: clinical testing. Allele origin: germline.
Comment: This sequence change creates a premature translational stop signal (p.Ser117Tyrfs*5) in the CEP78 gene. It is expected to result in an absent or disrupted protein product. Loss-of-function variants in CEP78 are known to be pathogenic (PMID: 27588451, 27588452, 27627988). This variant is not present in population databases (gnomAD no frequency). This variant has not been reported in the literature in individuals affected with CEP78-related conditions. For these reasons, this variant has been classified as Pathogenic.

Literature cited by the submitters: PubMed 27588451; PubMed 27588452; PubMed 27627988.

NM_001330691.3(CEP78):c.349_352del (p.Ser117fs)

Gene: CEP78 (centrosomal protein 78; plus strand). Cytogenetic location: 9q21.2.
Variant type: Deletion.
Coding change: c.349_352del on transcript NM_001330691.3 (MANE Select); coding-DNA positions 349 to 352, 4 bases deleted (AGTA; older notation c.349_352delAGTA).
Protein change: p.Ser117fs; shifts the reading frame from serine 117.
Molecular consequence: frameshift variant.
Genome position (GRCh38, 1-based): chr9:78,240,118-78,240,121, AGTA deleted; deleting any 4 consecutive bases within chr9:78,240,116-78,240,121 gives the same sequence; the c. name uses the placement nearest the transcript's 3' end. VCF-style (leftmost placement, unchanged base first): chr9-78240115-TTAAG-T. GRCh37 (hg19) VCF-style: chr9-80855031-TTAAG-T.
Other names: c.349_352del, p.Ser117fs (NM_001098802.3, NM_001330693.3, NM_001330694.2 and 4 more transcripts); short protein forms S117fs.
Identifiers: ClinVar variation 2709187 (VCV002709187.3), dbSNP rs2489814330, ClinGen allele CA2697557816.